The following is an entry in ClinVar:

NM_058216.3(RAD51C):c.313_314insA (p.Ser105fs)

Gene: RAD51C (RAD51 paralog C; plus strand). Cytogenetic location: 17q22.
Variant type: Insertion.
Coding change: c.313_314insA on transcript NM_058216.3 (MANE Select); coding-DNA positions 313 to 314, A inserted.
Protein change: p.Ser105fs; shifts the reading frame from serine 105.
Molecular consequence: frameshift variant. On other transcripts: non-coding transcript variant (2).
Genome position: GRCh38 VCF-style: chr17-58695098-T-TA. GRCh37 (hg19) VCF-style: chr17-56772459-T-TA.
Other names: c.313_314insA, p.Ser105fs (NM_002876.4); short protein forms S105fs.
Identifiers: ClinVar variation 959376 (VCV000959376.8), dbSNP rs2047953067, ClinGen allele CA1139665725.

ClinVar aggregate classification (germline): Pathogenic. Review status: criteria provided, multiple submitters, no conflicts (2 of 4 stars). 2 submissions from 2 submitters: Pathogenic (2). Last evaluated 2024-01-02.

Conditions:
Breast-ovarian cancer, familial, susceptibility to, 3. Also called: RAD51C-Related Breast/Ovarian Cancer. Identifiers: Orphanet 145, MedGen C3150659, MONDO:0013253, OMIM 613399.
Fanconi anemia complementation group O. Also called: RAD51C-Related Fanconi Anemia. Identifiers: Orphanet 84, MedGen C3150653, MONDO:0013248, OMIM 613390.

Submissions (2):

Myriad Genetics, Inc.
Classification: Pathogenic for Breast-ovarian cancer, familial, susceptibility to, 3. Last evaluated: 2024-01-02. Review status: criteria provided, single submitter. Criteria: Myriad Autosomal Dominant, Autosomal Recessive and X-Linked Classification Criteria (2023). Collection method: clinical testing. Allele origin: unknown.
Comment: This variant is considered pathogenic. This variant creates a frameshift predicted to result in premature protein truncation.

Labcorp Genetics (formerly Invitae), Labcorp
Classification: Pathogenic for Fanconi anemia complementation group O. Last evaluated: 2019-10-31. Review status: criteria provided, single submitter. Criteria: Invitae Variant Classification Sherloc (09022015). Collection method: clinical testing. Allele origin: germline.
Comment: This sequence change creates a premature translational stop signal (p.Ser105Tyrfs*5) in the RAD51C gene. It is expected to result in an absent or disrupted protein product. This variant is not present in population databases (ExAC no frequency). This variant has not been reported in the literature in individuals with RAD51C-related conditions. Loss-of-function variants in RAD51C are known to be pathogenic (PMID: 20400964, 21990120, 24800917). For these reasons, this variant has been classified as Pathogenic.

Literature cited by the submitters: PubMed 20400964 (cited by Labcorp Genetics (formerly Invitae), Labcorp); PubMed 21990120 (cited by Labcorp Genetics (formerly Invitae), Labcorp); PubMed 24800917 (cited by Labcorp Genetics (formerly Invitae), Labcorp).